The following is an entry in ClinVar:

ClinVar aggregate classification (germline): Pathogenic/Likely pathogenic. Review status: criteria provided, multiple submitters, no conflicts (2 of 4 stars). 2 submissions from 2 submitters: Pathogenic (1); Likely pathogenic (1). Last evaluated 2023-09-15.

Conditions:
Cerebral creatine deficiency syndrome. Also called: Creatine deficiency syndromes. Identifiers: Orphanet 79172, MedGen C5244016, MONDO:0000456.

Submissions (2):

Labcorp Genetics (formerly Invitae), Labcorp
Classification: Pathogenic for Cerebral creatine deficiency syndrome. Last evaluated: 2023-09-15. Review status: criteria provided, single submitter. Criteria: Invitae Variant Classification Sherloc (09022015). Collection method: clinical testing. Allele origin: germline.
Comment: This sequence change affects an acceptor splice site in intron 3 of the GAMT gene. It is expected to disrupt RNA splicing. Variants that disrupt the donor or acceptor splice site typically lead to a loss of protein function (PMID: 16199547), and loss-of-function variants in GAMT are known to be pathogenic (PMID: 15108290). This variant is not present in population databases (gnomAD no frequency). Disruption of this splice site has been observed in individual(s) with cerebral creatine deficiency syndrome (PMID: 32820516). In at least one individual the data is consistent with being in trans (on the opposite chromosome) from a pathogenic variant. ClinVar contains an entry for this variant (Variation ID: 801416). Algorithms developed to predict the effect of sequence changes on RNA splicing suggest that this variant may disrupt the consensus splice site. For these reasons, this variant has been classified as Pathogenic.

Mendelics
Classification: Likely pathogenic. Last evaluated: 2019-05-28. Review status: criteria provided, single submitter. Criteria: Mendelics Assertion Criteria 2017. Collection method: clinical testing. Allele origin: unknown.

Literature cited by the submitters: PubMed 16199547 (cited by Labcorp Genetics (formerly Invitae), Labcorp); PubMed 15108290 (cited by Labcorp Genetics (formerly Invitae), Labcorp); PubMed 32820516 (cited by Labcorp Genetics (formerly Invitae), Labcorp).

NM_000156.6(GAMT):c.392-1G>A

Gene: GAMT (guanidinoacetate N-methyltransferase; minus strand). Cytogenetic location: 19p13.3.
Variant type: single nucleotide variant.
Coding change: c.392-1G>A on transcript NM_000156.6 (MANE Select); the canonical splice acceptor site of the intron before coding-DNA position 392, G replaced by A.
Molecular consequence: splice acceptor variant.
Genome position (GRCh38, 1-based): chr19:1,399,196, C>T on the plus strand (G>A on the coding strand, the complement: GAMT is on the minus strand). VCF-style: chr19-1399196-C-T. GRCh37 (hg19) VCF-style: chr19-1399195-C-T.
Other names: c.392-1G>A (NM_138924.3).
Identifiers: ClinVar variation 801416 (VCV000801416.4), dbSNP rs1600158650, ClinGen allele CA402995440.